The following is an entry in ClinVar:

NM_025207.5(FLAD1):c.1528G>C (p.Ala510Pro)

Gene: FLAD1 (flavin adenine dinucleotide synthetase 1; plus strand). Cytogenetic location: 1q21.3.
Variant type: single nucleotide variant.
Coding change: c.1528G>C on transcript NM_025207.5 (MANE Select); coding-DNA position 1528, G replaced by C.
Protein change: p.Ala510Pro; replaces alanine 510 with proline.
Molecular consequence: missense variant.
Genome position (GRCh38, 1-based): chr1:154,990,502, G>C. VCF-style: chr1-154990502-G-C. GRCh37 (hg19) VCF-style: chr1-154962978-G-C.
Other names: c.1237G>C, p.Ala413Pro (NM_001184891.2, NM_201398.3); short protein forms A510P, A413P.
Identifiers: ClinVar variation 2103486 (VCV002103486.4), dbSNP rs746974797, ClinGen allele CA342752950.

ClinVar aggregate classification (germline): Uncertain significance (1 of 4 stars; one submission).

Submission:

Labcorp Genetics (formerly Invitae), Labcorp
Classification: Uncertain significance. Last evaluated: 2022-02-25. Review status: criteria provided, single submitter. Criteria: Invitae Variant Classification Sherloc (09022015). Collection method: clinical testing. Allele origin: germline.
Comment: This sequence change replaces alanine, which is neutral and non-polar, with proline, which is neutral and non-polar, at codon 510 of the FLAD1 protein (p.Ala510Pro). In summary, the available evidence is currently insufficient to determine the role of this variant in disease. Therefore, it has been classified as a Variant of Uncertain Significance. Algorithms developed to predict the effect of missense changes on protein structure and function (SIFT, PolyPhen-2, Align-GVGD) all suggest that this variant is likely to be tolerated. This variant has not been reported in the literature in individuals affected with FLAD1-related conditions. This variant is not present in population databases (gnomAD no frequency).